The following is an entry in ClinVar:

NM_022455.5(NSD1):c.3945A>G (p.Glu1315=)

Gene: NSD1 (nuclear receptor binding SET domain protein 1; plus strand). Cytogenetic location: 5q35.3.
Variant type: single nucleotide variant.
Coding change: c.3945A>G on transcript NM_022455.5 (MANE Select); coding-DNA position 3945, A replaced by G.
Protein change: p.Glu1315=; no amino-acid change (glutamic acid 1315 retained).
Molecular consequence: synonymous variant.
Genome position (GRCh38, 1-based): chr5:177,238,260, A>G. VCF-style: chr5-177238260-A-G. GRCh37 (hg19) VCF-style: chr5-176665261-A-G.
Other names: c.3072A>G, p.Glu1024= (NM_001365684.2, NM_001409306.1, NM_001409307.1 and 3 more transcripts); c.3945A>G, p.Glu1315= (NM_001409301.1, NM_001409302.1, NM_001409303.1); c.3525A>G, p.Glu1175= (NM_001409304.1); c.3192A>G, p.Glu1064= (NM_001409305.1).
Identifiers: ClinVar variation 4072661 (VCV004072661.1).
Genomic context (GRCh38, chr5:177,238,260, plus strand): 5'-TTGGCCTGTGGACTCTATTTTTATTTTTTGTTCTTAGGTAAGTTCCCGCTGTGAAGAGGA[A>G]AGCCTTCTAGCCCGAGGTCGATCTAGTGCTCAGAACAAGCAGGTGGACGAGAATTCTTTG-3'
Protein context (NP_071900.2, residues 1305-1325): VHKVSSRCEE[Glu1315=]SLLARGRSSA

ClinVar aggregate classification (germline): Uncertain significance (1 of 4 stars; one submission).

Submission:

GeneDx
Classification: Uncertain significance. Last evaluated: 2025-02-02. Review status: criteria provided, single submitter. Criteria: GeneDx Variant Classification Process June 2021. Collection method: clinical testing. Allele origin: germline. Affected: yes.
Comment: Not observed at significant frequency in large population cohorts (gnomAD); In silico analysis indicates that this variant does not alter splicing; Has not been previously published as pathogenic or benign to our knowledge